The following is an entry in ClinVar:

ClinVar aggregate classification (germline): Uncertain significance. Review status: criteria provided, multiple submitters, no conflicts (2 of 4 stars). 2 submissions from 2 submitters: Uncertain significance (2). Last evaluated 2025-01-27.

Conditions:
Developmental and epileptic encephalopathy, 2 (DEE2). Also called: CDKL5 deficiency disorder; INFANTILE SPASM SYNDROME, X-LINKED 2. Identifiers: Orphanet 1934, Orphanet 3451, Orphanet 505652, MedGen C4750718, MONDO:0010396, OMIM 300672.
Angelman syndrome-like. Identifiers: MedGen CN128785.

gnomAD v4.1: 1 of 1,211,608 alleles (0.000083%); highest among the groups gnomAD compares: Non-Finnish European, 0.00011%; no homozygotes.

Submissions (2):

GeneDx
Classification: Uncertain significance. Last evaluated: 2025-01-27. Review status: criteria provided, single submitter. Criteria: GeneDx Variant Classification Process June 2021. Collection method: clinical testing. Allele origin: germline. Affected: yes.
Comment: Not observed at significant frequency in large population cohorts (gnomAD); In silico analysis indicates that this missense variant does not alter protein structure/function; Has not been previously published as pathogenic or benign to our knowledge

Labcorp Genetics (formerly Invitae), Labcorp
Classification: Uncertain significance for Developmental and epileptic encephalopathy, 2; Angelman syndrome-like. Last evaluated: 2024-11-13. Review status: criteria provided, single submitter. Criteria: Invitae Variant Classification Sherloc (09022015). Collection method: clinical testing. Allele origin: germline.
Comment: This sequence change replaces arginine, which is basic and polar, with lysine, which is basic and polar, at codon 547 of the CDKL5 protein (p.Arg547Lys). This variant is not present in population databases (gnomAD no frequency). This variant has not been reported in the literature in individuals affected with CDKL5-related conditions. Invitae Evidence Modeling of protein sequence and biophysical properties (such as structural, functional, and spatial information, amino acid conservation, physicochemical variation, residue mobility, and thermodynamic stability) has been performed for this missense variant. However, the output from this modeling did not meet the statistical confidence thresholds required to predict the impact of this variant on CDKL5 protein function. In summary, the available evidence is currently insufficient to determine the role of this variant in disease. Therefore, it has been classified as a Variant of Uncertain Significance.

NM_001323289.2(CDKL5):c.1640G>A (p.Arg547Lys)

Gene: CDKL5 (cyclin dependent kinase like 5; plus strand). Cytogenetic location: Xp22.13.
Variant type: single nucleotide variant.
Coding change: c.1640G>A on transcript NM_001323289.2 (MANE Select); coding-DNA position 1640, G replaced by A.
Protein change: p.Arg547Lys; replaces arginine 547 with lysine.
Molecular consequence: missense variant.
Genome position (GRCh38, 1-based): chrX:18,604,564, G>A. VCF-style: chrX-18604564-G-A. GRCh37 (hg19) VCF-style: chrX-18622684-G-A.
Other names: c.1640G>A, p.Arg547Lys (NM_001037343.2, NM_003159.3); c.1640G>A (NM_003159.2); short protein forms R547K.
Identifiers: ClinVar variation 3753774 (VCV003753774.3).